The following is an entry in ClinVar:

ClinVar aggregate classification (germline): Likely benign. Review status: criteria provided, multiple submitters, no conflicts (2 of 4 stars). 2 submissions from 2 submitters: Likely benign (2). Last evaluated 2023-12-13.

Conditions:
Marfan syndrome (MFS). Also called: FBN1-Related Marfan Syndrome; MARFAN SYNDROME, TYPE I; Marfan syndrome type 1; Marfan's syndrome; Marfan syndrome, classic. Identifiers: Orphanet 284963, Orphanet 558, MedGen C0024796, MONDO:0007947, OMIM 154700.
Familial thoracic aortic aneurysm and aortic dissection (TAAD). Also called: Thoracic aortic aneurysms and dissections. Identifiers: Orphanet 91387, MedGen C4707243, MONDO:0019625.

Submissions (2):

All of Us Research Program, National Institutes of Health
Classification: Likely benign for Marfan syndrome. Last evaluated: 2023-12-13. Review status: criteria provided, single submitter. Criteria: ACMG Guidelines, 2015. Collection method: clinical testing. Allele origin: germline. Inheritance: Autosomal dominant inheritance. Observed: 1 variant allele, 1 heterozygote.
Comment: This study involves interpretation of variants in research participants for the purpose of population health screening. Participant phenotype was not available at the time of variant classification. Additional details can be found in publication PMID: 35346344, PMCID: PMC8962531

Color Diagnostics, LLC DBA Color Health
Classification: Likely benign for Familial thoracic aortic aneurysm and aortic dissection. Last evaluated: 2022-03-23. Review status: criteria provided, single submitter. Criteria: ACMG Guidelines, 2015. Collection method: clinical testing. Allele origin: germline.

NM_000138.5(FBN1):c.6156G>A (p.Arg2052=)

Gene: FBN1 (fibrillin 1; minus strand). Cytogenetic location: 15q21.1.
Variant type: single nucleotide variant.
Coding change: c.6156G>A on transcript NM_000138.5 (MANE Select); coding-DNA position 6156, G replaced by A.
Protein change: p.Arg2052=; no amino-acid change (arginine 2052 retained).
Molecular consequence: synonymous variant.
Genome position (GRCh38, 1-based): chr15:48,441,728, C>T on the plus strand (G>A on the coding strand, the complement: FBN1 is on the minus strand). VCF-style: chr15-48441728-C-T. GRCh37 (hg19) VCF-style: chr15-48733925-C-T.
Other names: c.6156G>A, p.Arg2052= (NM_001406716.1).
Identifiers: ClinVar variation 2773330 (VCV002773330.3), dbSNP rs2505445890, ClinGen allele CA490021289.